The following is an entry in ClinVar:

ClinVar aggregate classification (germline): Uncertain significance (1 of 4 stars; one submission).

Conditions:
Cardiovascular phenotype. Identifiers: MedGen CN230736.

gnomAD v4.1: 2 of 1,613,980 alleles (0.00012%); highest among the groups gnomAD compares: Non-Finnish European, 0.00017%; no homozygotes.

Submission:

Ambry Genetics
Classification: Uncertain significance for Cardiovascular phenotype. Last evaluated: 2025-11-04. Review status: criteria provided, single submitter. Criteria: Ambry Variant Classification Scheme 2023. Collection method: clinical testing. Allele origin: germline.
Comment: The p.A133V variant (also known as c.398C>T), located in coding exon 4 of the DSC2 gene, results from a C to T substitution at nucleotide position 398. The alanine at codon 133 is replaced by valine, an amino acid with similar properties. This amino acid position is conserved. In addition, this alteration is predicted to be tolerated by in silico analysis. Based on the available evidence, the clinical significance of this variant remains unclear.

NM_024422.6(DSC2):c.398C>T (p.Ala133Val)

Gene: DSC2 (desmocollin 2; minus strand). Cytogenetic location: 18q12.1.
Variant type: single nucleotide variant.
Coding change: c.398C>T on transcript NM_024422.6 (MANE Select); coding-DNA position 398, C replaced by T.
Protein change: p.Ala133Val; replaces alanine 133 with valine.
Molecular consequence: missense variant. On other transcripts: 5 prime UTR variant (2).
Genome position (GRCh38, 1-based): chr18:31,091,104, G>A on the plus strand (C>T on the coding strand, the complement: DSC2 is on the minus strand). VCF-style: chr18-31091104-G-A. GRCh37 (hg19) VCF-style: chr18-28671067-G-A.
Other names: c.-32C>T (NM_001406506.1, NM_001406507.1); c.398C>T, p.Ala133Val (NM_004949.5); short protein forms A133V.
Identifiers: ClinVar variation 4613999 (VCV004613999.1).